The following is an entry in ClinVar:

NC_000023.10:g.(?_32662229)_(32827748_?)dup

Gene: DMD (dystrophin; minus strand). Cytogenetic location: Xp21.1.
Variant type: Duplication.
Identifiers: ClinVar variation 583907 (VCV000583907.1).

ClinVar aggregate classification (germline): Uncertain significance (1 of 4 stars; one submission).

Conditions:
Duchenne muscular dystrophy (DMD). Also called: MUSCULAR DYSTROPHY, PSEUDOHYPERTROPHIC PROGRESSIVE, DUCHENNE TYPE; Duchenne Muscular Dystrophy (DMD). Identifiers: Orphanet 98896, MedGen C0013264, MONDO:0010679, OMIM 310200.

Submission:

Labcorp Genetics (formerly Invitae), Labcorp
Classification: Uncertain significance for Duchenne muscular dystrophy. Last evaluated: 2018-03-06. Review status: criteria provided, single submitter. Criteria: Invitae Variant Classification Sherloc (09022015). Collection method: clinical testing. Allele origin: germline.
Comment: This variant is a gross duplication of the genomic region encompassing exons 7-11 of the DMD gene. While the exact position of the duplicated exons cannot be determined from this data, sub-genic duplications are generally in tandem (PMID: 25640679). This duplication would be expected to be in-frame, preserving the integrity of the reading frame. This variant has not been reported in the literature in individuals with DMD-related disease. In summary, the available evidence is currently insufficient to determine the role of this variant in disease. Therefore, it has been classified as a Variant of Uncertain Significance.